The following is an entry in ClinVar:

ClinVar aggregate classification (germline): Benign/Likely benign. Review status: criteria provided, multiple submitters, no conflicts (2 of 4 stars). 7 submissions from 7 submitters: Benign (1); Likely benign (5). 1 of the submissions does not count toward it. Last evaluated 2026-04-01.

Conditions:
COL4A1-related disorder. Also called: COL4A1-related condition; COL4A1-related disorders. Identifiers: MedGen CN376119, MONDO:0800461.

Allele frequency attached by ClinVar (database versions not stated): TOPMed 0.00073; gnomAD exomes 0.00076 and 0.00103; gnomAD 0.00082 and 0.00087; ExAC 0.00094; ESP Exome Variant Server 0.00184.

Submissions (7):

CeGaT Center for Human Genetics Tuebingen
Classification: Likely benign. Last evaluated: 2026-04-01. Review status: criteria provided, single submitter. Criteria: CeGaT Center For Human Genetics Tuebingen Variant Classification Criteria Version 2. Collection method: clinical testing. Allele origin: germline. Affected: yes. Observed: 23 variant alleles.
Comment: COL4A1: BP4, BS1

Labcorp Genetics (formerly Invitae), Labcorp
Classification: Benign. Last evaluated: 2026-02-01. Review status: criteria provided, single submitter. Criteria: Invitae Variant Classification Sherloc (09022015). Collection method: clinical testing. Allele origin: germline.

Mayo Clinic Laboratories, Mayo Clinic
Classification: Likely benign. Last evaluated: 2025-11-13. Review status: criteria provided, single submitter. Criteria: ACMG Guidelines, 2015. Collection method: clinical testing. Allele origin: germline. Observed: 1 variant allele.
Comment: BS1, BP4

Laboratory of Genetics, Children's Clinical University Hospital Latvia
Classification: Likely benign. Last evaluated: 2025-02-16. Review status: criteria provided, single submitter. Criteria: ACMG Guidelines, 2015. Collection method: clinical testing. Allele origin: germline. Affected: yes.

Blueprint Genetics
Classification: Likely benign. Last evaluated: 2024-11-27. Review status: criteria provided, single submitter. Criteria: ACMG Guidelines, 2015. Collection method: clinical testing. Allele origin: germline.

GeneDx
Classification: Likely benign. Last evaluated: 2021-05-05. Review status: criteria provided, single submitter. Criteria: GeneDx Variant Classification Process June 2021. Collection method: clinical testing. Allele origin: germline. Affected: yes.

PreventionGenetics, part of Exact Sciences
Classification: Likely benign for COL4A1-related condition. Last evaluated: 2020-01-07. Review status: no assertion criteria provided. Collection method: clinical testing. Allele origin: germline. Not counted in ClinVar's aggregate classification.
Comment: This variant is classified as likely benign based on ACMG/AMP sequence variant interpretation guidelines (Richards et al. 2015 PMID: 25741868, with internal and published modifications).

NM_001845.6(COL4A1):c.651+4_651+5insCAC

Gene: COL4A1 (collagen type IV alpha 1 chain; minus strand). Cytogenetic location: 13q34.
Variant type: Insertion.
Coding change: c.651+4_651+5insCAC on transcript NM_001845.6 (MANE Select); bases 4 to 5 of the intron after coding-DNA position 651, CAC inserted.
Molecular consequence: intron variant.
Genome position: GRCh38 VCF-style: chr13-110209387-T-TGTG. GRCh37 (hg19) VCF-style: chr13-110861734-T-TGTG.
Other names: c.651+4_651+5insCAC (NM_001303110.2).
Identifiers: ClinVar variation 311075 (VCV000311075.50), dbSNP rs760194800, ClinGen allele CA7048380.